The following is an entry in ClinVar:

NM_001035.3(RYR2):c.1382G>T (p.Gly461Val)

Gene: RYR2 (ryanodine receptor 2; plus strand). Cytogenetic location: 1q43.
Variant type: single nucleotide variant.
Coding change: c.1382G>T on transcript NM_001035.3 (MANE Select); coding-DNA position 1382, G replaced by T.
Protein change: p.Gly461Val; replaces glycine 461 with valine.
Molecular consequence: missense variant.
Genome position (GRCh38, 1-based): chr1:237,454,480, G>T. VCF-style: chr1-237454480-G-T. GRCh37 (hg19) VCF-style: chr1-237617780-G-T.
Other names: short protein forms G461V.
Identifiers: ClinVar variation 3070720 (VCV003070720.1), dbSNP rs2528524078, ClinGen allele CA345380370.
Genomic context (GRCh38, chr1:237,454,480, plus strand): 5'-AGGCTTCCACAGTCGATTTGCCTATAGAGTCCGTAAGCCTAAGTCTGCAGGATCTCATTG[G>T]CTACTTCCACCCCCCAGATGAGCATTTAGAGCATGAAGACAAACAGAACAGACTACGAGC-3'
Protein context (NP_001026.2, residues 451-471): SVSLSLQDLI[Gly461Val]YFHPPDEHLE

ClinVar aggregate classification (germline): Uncertain significance (1 of 4 stars; one submission).

Conditions:
Catecholaminergic polymorphic ventricular tachycardia (CVPT). Also called: Catecholamine-induced polymorphic ventricular tachycardia. Identifiers: Orphanet 3286, MedGen C5574922, MONDO:0017990.

Submission:

All of Us Research Program, National Institutes of Health
Classification: Uncertain significance for Catecholaminergic polymorphic ventricular tachycardia. Last evaluated: 2023-05-04. Review status: criteria provided, single submitter. Criteria: ACMG Guidelines, 2015. Collection method: clinical testing. Allele origin: germline. Inheritance: Autosomal dominant inheritance. Observed: 1 variant allele, 1 heterozygote.
Comment: This missense variant replaces glycine with valine at codon 461 of the RYR2 protein. Computational prediction suggests that this variant may not impact protein structure and function (internally defined REVEL score threshold <= 0.5, PMID: 27666373). To our knowledge, functional studies have not been reported for this variant. This variant has not been reported in individuals affected with RYR2-related disorders in the literature. This variant has not been identified in the general population by the Genome Aggregation Database (gnomAD). The available evidence is insufficient to determine the role of this variant in disease conclusively. Therefore, this variant is classified as a Variant of Uncertain Significance.

This study involves interpretation of variants in research participants for the purpose of population health screening. Participant phenotype was not available at the time of variant classification. Additional details can be found in publication PMID: 35346344, PMCID: PMC8962531